The following is an entry in ClinVar:

GRCh37/hg19 2p11.2(chr2:86459682-86509481)x3

Gene: REEP1 (receptor accessory protein 1; minus strand). Cytogenetic location: 2p11.2.
Variant type: copy number gain.
Change: copy number 3 (three copies instead of two) of chr2:86,459,682-86,509,481 (49.8 kb, GRCh37 coordinates, 1-based), cytogenetic band 2p11.2.
Identifiers: ClinVar variation 3338443 (VCV003338443.1).

ClinVar aggregate classification (germline): Likely pathogenic (0 of 4 stars; one submission).

Conditions:
Hereditary spastic paraplegia 31. Also called: SPASTIC PARAPLEGIA 31, AUTOSOMAL DOMINANT. Identifiers: Orphanet 101011, MedGen C1853247, MONDO:0012453, OMIM 610250.

Submission:

Solve-RD Consortium
Classification: Likely pathogenic for Hereditary spastic paraplegia 31. Last evaluated: 2024-06-01. Review status: no assertion criteria provided. Collection method: provider interpretation. Allele origin: germline. Affected: yes.
Comment: This CNV was confirmed by the submitting clinician to impact a gene that corresponds with the phenotype of the affected individual, and thus deemed to be causative for their condition.

Literature cited by the submitters: PubMed 39825153.